The following is an entry in ClinVar:

NM_001201543.2(FAM161A):c.2006G>A (p.Ser669Asn)

Gene: FAM161A (FAM161 centrosomal protein A; minus strand). Cytogenetic location: 2p15.
Variant type: single nucleotide variant.
Coding change: c.2006G>A on transcript NM_001201543.2 (MANE Select); coding-DNA position 2006, G replaced by A.
Protein change: p.Ser669Asn; replaces serine 669 with asparagine.
Molecular consequence: missense variant. On other transcripts: non-coding transcript variant (1).
Genome position (GRCh38, 1-based): chr2:61,827,104, C>T on the plus strand (G>A on the coding strand, the complement: FAM161A is on the minus strand). VCF-style: chr2-61827104-C-T. GRCh37 (hg19) VCF-style: chr2-62054239-C-T.
Other names: c.1838G>A, p.Ser613Asn (NM_032180.3); short protein forms S613N, S669N.
Identifiers: ClinVar variation 1464532 (VCV001464532.7), dbSNP rs758809359, ClinGen allele CA1678978.

ClinVar aggregate classification (germline): Uncertain significance. Review status: criteria provided, multiple submitters, no conflicts (2 of 4 stars). 2 submissions from 2 submitters: Uncertain significance (2). Last evaluated 2023-09-20.

Allele frequency attached by ClinVar (database versions not stated): gnomAD 0.00001; TOPMed 0.00001; ExAC 0.00002; gnomAD exomes 0.00002 and 0.00004.
gnomAD v4.1: 55 of 1,613,252 alleles (0.0034%); highest among the groups gnomAD compares: Non-Finnish European, 0.0044%; no homozygotes.

Submissions (3):

Blueprint Genetics
Classification: Uncertain significance. Last evaluated: 2023-09-20. Review status: criteria provided, single submitter. Criteria: ACMG Guidelines, 2015. Collection method: clinical testing. Allele origin: germline.

Labcorp Genetics (formerly Invitae), Labcorp
Classification: Uncertain significance. Last evaluated: 2021-08-28. Review status: criteria provided, single submitter. Criteria: Invitae Variant Classification Sherloc (09022015). Collection method: clinical testing. Allele origin: germline.
Comment: This sequence change replaces serine with asparagine at codon 669 of the FAM161A protein (p.Ser669Asn). The serine residue is moderately conserved and there is a small physicochemical difference between serine and asparagine. This variant also falls at the last nucleotide of exon 6, which is part of the consensus splice site for this exon. This variant is present in population databases (rs758809359, ExAC 0.01%). This variant has not been reported in the literature in individuals affected with FAM161A-related conditions. Algorithms developed to predict the effect of missense changes on protein structure and function are either unavailable or do not agree on the potential impact of this missense change (SIFT: "Tolerated"; PolyPhen-2: "Probably Damaging"; Align-GVGD: "Class C0"). Variants that disrupt the consensus splice site are a relatively common cause of aberrant splicing (PMID: 17576681, 9536098). Algorithms developed to predict the effect of sequence changes on RNA splicing suggest that this variant may disrupt the consensus splice site. In summary, the available evidence is currently insufficient to determine the role of this variant in disease. Therefore, it has been classified as a Variant of Uncertain Significance.

Dr. Peter K. Rogan Lab, Western University
No classification provided (evidence only). Condition: Cervical cancer. Review status: no classification provided. Collection method: in vitro. Allele origin: not applicable. Functional consequence: skipped exon, retained intron. Not counted in ClinVar's aggregate classification.

Literature cited by the submitters: PubMed 17576681 (cited by Labcorp Genetics (formerly Invitae), Labcorp); PubMed 9536098 (cited by Labcorp Genetics (formerly Invitae), Labcorp).